The following is an entry in ClinVar:

ClinVar aggregate classification (germline): Uncertain significance (1 of 4 stars; one submission).

Conditions:
Autoimmune lymphoproliferative syndrome type 1. Also called: AUTOIMMUNE LYMPHOPROLIFERATIVE SYNDROME, TYPE I, AUTOSOMAL DOMINANT. Identifiers: Orphanet 3261, MedGen C2717884, MONDO:0011158, OMIM 601859.

Submission:

Labcorp Genetics (formerly Invitae), Labcorp
Classification: Uncertain significance for Autoimmune lymphoproliferative syndrome. Last evaluated: 2022-07-30. Review status: criteria provided, single submitter. Criteria: Invitae Variant Classification Sherloc (09022015). Collection method: clinical testing. Allele origin: germline.
Comment: This sequence change replaces glutamic acid, which is acidic and polar, with glycine, which is neutral and non-polar, at codon 289 of the FAS protein (p.Glu289Gly). This variant is not present in population databases (gnomAD no frequency). This variant has not been reported in the literature in individuals affected with FAS-related conditions. Algorithms developed to predict the effect of missense changes on protein structure and function output the following: SIFT: "Not Available"; PolyPhen-2: "Benign"; Align-GVGD: "Not Available". The glycine amino acid residue is found in multiple mammalian species, which suggests that this missense change does not adversely affect protein function. In summary, the available evidence is currently insufficient to determine the role of this variant in disease. Therefore, it has been classified as a Variant of Uncertain Significance.

NM_000043.6(FAS):c.866A>G (p.Glu289Gly)

Gene: FAS (Fas cell surface death receptor; plus strand). Cytogenetic location: 10q23.31.
Variant type: single nucleotide variant.
Coding change: c.866A>G on transcript NM_000043.6 (MANE Select); coding-DNA position 866, A replaced by G.
Protein change: p.Glu289Gly; replaces glutamic acid 289 with glycine.
Molecular consequence: missense variant. On other transcripts: 3 prime UTR variant (2), non-coding transcript variant (7).
Genome position (GRCh38, 1-based): chr10:89,014,308, A>G. VCF-style: chr10-89014308-A-G. GRCh37 (hg19) VCF-style: chr10-90774065-A-G.
Other names: c.*189A>G (NM_001320619.2); c.911A>G, p.Glu304Gly (NM_001410956.1); c.803A>G, p.Glu268Gly (NM_152871.4); c.*178A>G (NM_152872.4); short protein forms E268G, E289G, E304G.
Identifiers: ClinVar variation 1714301 (VCV001714301.5), dbSNP rs2495227963, ClinGen allele CA377509993.